The following is an entry in ClinVar:

NM_024652.6(LRRK1):c.5814C>A (p.Gly1938=)

Genes: LRRK1 (leucine rich repeat kinase 1; plus strand), LRRK1-AS1 (LRRK1 antisense RNA 1; minus strand). Cytogenetic location: 15q26.3.
Variant type: single nucleotide variant.
Coding change: c.5814C>A on transcript NM_024652.6 (MANE Select); coding-DNA position 5814, C replaced by A.
Protein change: p.Gly1938=; no amino-acid change (glycine 1938 retained).
Molecular consequence: synonymous variant.
Genome position (GRCh38, 1-based): chr15:101,066,685, C>A. VCF-style: chr15-101066685-C-A. GRCh37 (hg19) VCF-style: chr15-101606890-C-A.
Other names: c.5814C>A (NM_024652.5).
Identifiers: ClinVar variation 1234694 (VCV001234694.9), dbSNP rs2959197, ClinGen allele CA7762258.

ClinVar aggregate classification (germline): Benign. Review status: criteria provided, multiple submitters, no conflicts (2 of 4 stars). 4 submissions from 4 submitters: Benign (3). 1 of the submissions does not count toward it. Last evaluated 2023-12-16.

Conditions:
LRRK1-related disorder. Also called: LRRK1-related condition.

Allele frequency attached by ClinVar (database versions not stated): ESP Exome Variant Server 0.23593; 1000 Genomes Project 30x 0.26624; 1000 Genomes Project 0.27216.
gnomAD v4.1: 488,925 of 1,612,646 alleles (30%); highest among the groups gnomAD compares: Middle Eastern, 37%; 76,059 homozygotes.

Submissions (4):

Labcorp Genetics (formerly Invitae), Labcorp
Classification: Benign. Last evaluated: 2023-12-16. Review status: criteria provided, single submitter. Criteria: Invitae Variant Classification Sherloc (09022015). Collection method: clinical testing. Allele origin: germline.

GeneDx
Classification: Benign. Last evaluated: 2018-06-23. Review status: criteria provided, single submitter. Criteria: GeneDx Variant Classification Process June 2021. Collection method: clinical testing. Allele origin: germline. Affected: yes.

Breakthrough Genomics
Classification: Benign. Review status: criteria provided, single submitter. Criteria: ACMG Guidelines, 2015. Collection method: not provided. Allele origin: germline. Inheritance: Autosomal recessive inheritance. Affected: yes.

PreventionGenetics, part of Exact Sciences
Classification: Benign for LRRK1-related condition. Last evaluated: 2019-10-18. Review status: no assertion criteria provided. Collection method: clinical testing. Allele origin: germline. Not counted in ClinVar's aggregate classification.
Comment: This variant is classified as benign based on ACMG/AMP sequence variant interpretation guidelines (Richards et al. 2015 PMID: 25741868, with internal and published modifications).